The following is an entry in ClinVar:

ClinVar aggregate classification (germline): Uncertain significance (1 of 4 stars; one submission).

Conditions:
Congenital myasthenic syndrome 8. Also called: MYASTHENIC SYNDROME, CONGENITAL, DUE TO AGRIN DEFICIENCY; Myasthenic syndrome, congenital, 8, with pre- and postsynaptic defects. Identifiers: Orphanet 590, MedGen C3808739, MONDO:0014052, OMIM 615120.

gnomAD v4.1: 3 of 1,611,222 alleles (0.00019%); highest among the groups gnomAD compares: Middle Eastern, 0.016%; no homozygotes.

Submission:

Labcorp Genetics (formerly Invitae), Labcorp
Classification: Uncertain significance for Congenital myasthenic syndrome 8. Last evaluated: 2021-11-09. Review status: criteria provided, single submitter. Criteria: Invitae Variant Classification Sherloc (09022015). Collection method: clinical testing. Allele origin: germline.
Comment: This sequence change replaces alanine, which is neutral and non-polar, with serine, which is neutral and polar, at codon 615 of the AGRN protein (p.Ala615Ser). This variant is not present in population databases (gnomAD no frequency). This variant has not been reported in the literature in individuals affected with AGRN-related conditions. Algorithms developed to predict the effect of missense changes on protein structure and function are either unavailable or do not agree on the potential impact of this missense change (SIFT: "Tolerated"; PolyPhen-2: "Possibly Damaging"; Align-GVGD: "Class C0"). In summary, the available evidence is currently insufficient to determine the role of this variant in disease. Therefore, it has been classified as a Variant of Uncertain Significance.

NM_198576.4(AGRN):c.1843G>T (p.Ala615Ser)

Gene: AGRN (agrin; plus strand). Cytogenetic location: 1p36.33.
Variant type: single nucleotide variant.
Coding change: c.1843G>T on transcript NM_198576.4 (MANE Select); coding-DNA position 1843, G replaced by T.
Protein change: p.Ala615Ser; replaces alanine 615 with serine.
Molecular consequence: missense variant.
Genome position (GRCh38, 1-based): chr1:1,043,867, G>T. VCF-style: chr1-1043867-G-T. GRCh37 (hg19) VCF-style: chr1-979247-G-T.
Other names: c.1843G>T, p.Ala615Ser (NM_001305275.2); c.1528G>T, p.Ala510Ser (NM_001364727.2); short protein forms A615S, A510S.
Identifiers: ClinVar variation 1432401 (VCV001432401.6), dbSNP rs762357955, ClinGen allele CA16754402.